The following is an entry in ClinVar:

ClinVar aggregate classification (germline): Benign/Likely benign. Review status: criteria provided, multiple submitters, no conflicts (2 of 4 stars). 13 submissions from 13 submitters: Benign (1); Likely benign (7). 5 of the submissions do not count toward it. Last evaluated 2025-11-25.

Conditions:
MSH6-related disorder. Also called: MSH6-related condition; MSH6-Related disorders.
Hereditary nonpolyposis colorectal neoplasms. Identifiers: MedGen C0009405, MeSH D003123.
Hereditary cancer-predisposing syndrome. Also called: Tumor predisposition; Hereditary Cancer Syndrome; Hereditary neoplastic syndrome; Neoplastic Syndromes, Hereditary. Identifiers: Orphanet 140162, MedGen C0027672, MeSH D009386, MONDO:0015356.
Lynch syndrome. Identifiers: Orphanet 144, MedGen C4552100, MONDO:0005835. Disease mechanism: loss of function.
Lynch syndrome 5 (LYNCH5). Also called: Colorectal cancer, hereditary nonpolyposis, type 5; Hereditary non-polyposis colorectal cancer, type 5. Identifiers: Orphanet 144, MedGen C1833477, MONDO:0013710, OMIM 614350. Disease mechanism: loss of function.

Allele frequency attached by ClinVar (database versions not stated): ExAC 0.00001; gnomAD exomes 0.00002; gnomAD 0.00003; TOPMed 0.00004; ESP Exome Variant Server 0.00008.
gnomAD v4.1: 37 of 1,614,026 alleles (0.0023%); highest among the groups gnomAD compares: Middle Eastern, 0.016%; no homozygotes.

Submissions (13):

Labcorp Genetics (formerly Invitae), Labcorp
Classification: Likely benign for Hereditary nonpolyposis colorectal neoplasms. Last evaluated: 2025-11-25. Review status: criteria provided, single submitter. Criteria: Invitae Variant Classification Sherloc (09022015). Collection method: clinical testing. Allele origin: germline.

Myriad Genetics, Inc.
Classification: Benign for Lynch syndrome 5. Last evaluated: 2024-12-20. Review status: criteria provided, single submitter. Criteria: Myriad Autosomal Dominant, Autosomal Recessive and X-Linked Classification Criteria (2023). Collection method: clinical testing. Allele origin: unknown.
Comment: This variant is considered benign. This variant is a silent/synonymous amino acid change and it is not expected to impact splicing.

All of Us Research Program, National Institutes of Health
Classification: Likely benign for Lynch syndrome. Last evaluated: 2023-12-13. Review status: criteria provided, single submitter. Criteria: ACMG Guidelines, 2015. Collection method: clinical testing. Allele origin: germline. Inheritance: Autosomal dominant inheritance. Observed: 3 variant alleles, 3 heterozygotes.
Comment: This study involves interpretation of variants in research participants for the purpose of population health screening. Participant phenotype was not available at the time of variant classification. Additional details can be found in publication PMID: 35346344, PMCID: PMC8962531

Department of Pathology and Laboratory Medicine, Sinai Health System
Classification: Likely benign for Lynch syndrome. Last evaluated: 2021-10-25. Review status: criteria provided, single submitter. Criteria: ACMG Guidelines, 2015. Collection method: clinical testing. Allele origin: germline. Affected: yes.

Quest Diagnostics Nichols Institute San Juan Capistrano
Classification: Likely benign. Last evaluated: 2019-05-07. Review status: criteria provided, single submitter. Criteria: Quest Diagnostics criteria. Collection method: clinical testing. Allele origin: germline.

GeneDx
Classification: Likely benign. Last evaluated: 2018-02-20. Review status: criteria provided, single submitter. Criteria: GeneDx Variant Classification (06012015). Collection method: clinical testing. Allele origin: germline. Affected: yes.
Comment: This variant is considered likely benign or benign based on one or more of the following criteria: it is a conservative change, it occurs at a poorly conserved position in the protein, it is predicted to be benign by multiple in silico algorithms, and/or has population frequency not consistent with disease.

Color Diagnostics, LLC DBA Color Health
Classification: Likely benign for Hereditary cancer-predisposing syndrome. Last evaluated: 2017-02-21. Review status: criteria provided, single submitter. Criteria: ACMG Guidelines, 2015. Collection method: clinical testing. Allele origin: germline.

Ambry Genetics
Classification: Likely benign for Hereditary cancer-predisposing syndrome. Last evaluated: 2015-08-21. Review status: criteria provided, single submitter. Criteria: Ambry Variant Classification Scheme 2023. Collection method: clinical testing. Allele origin: germline.

PreventionGenetics, part of Exact Sciences
Classification: Likely benign for MSH6-related condition. Last evaluated: 2023-06-01. Review status: no assertion criteria provided. Collection method: clinical testing. Allele origin: germline. Not counted in ClinVar's aggregate classification.
Comment: This variant is classified as likely benign based on ACMG/AMP sequence variant interpretation guidelines (Richards et al. 2015 PMID: 25741868, with internal and published modifications).

Clinical Genetics DNA and cytogenetics Diagnostics Lab, Erasmus MC, Erasmus Medical Center
Classification: Benign. Review status: no assertion criteria provided. Collection method: clinical testing. Allele origin: germline. Affected: yes. Study: VKGL Data-share Consensus. Not counted in ClinVar's aggregate classification.

Clinical Genetics, Academic Medical Center
Classification: Likely benign. Review status: no assertion criteria provided. Collection method: clinical testing. Allele origin: germline. Affected: yes. Study: VKGL Data-share Consensus. Not counted in ClinVar's aggregate classification.

Genome Diagnostics Laboratory, Amsterdam University Medical Center
Classification: Likely benign. Review status: no assertion criteria provided. Collection method: clinical testing. Allele origin: germline. Affected: yes. Study: VKGL Data-share Consensus. Not counted in ClinVar's aggregate classification.

Laboratory of Diagnostic Genome Analysis, Leiden University Medical Center (LUMC)
Classification: Likely benign. Review status: no assertion criteria provided. Collection method: clinical testing. Allele origin: germline. Affected: yes. Study: VKGL Data-share Consensus. Not counted in ClinVar's aggregate classification.

Literature cited by the submitters: PubMed 19924528 (cited by Quest Diagnostics Nichols Institute San Juan Capistrano).

NM_000179.3(MSH6):c.1053C>T (p.His351=)

Gene: MSH6 (mutS homolog 6; plus strand). Cytogenetic location: 2p16.3.
Variant type: single nucleotide variant.
Coding change: c.1053C>T on transcript NM_000179.3 (MANE Select); coding-DNA position 1053, C replaced by T.
Protein change: p.His351=; no amino-acid change (histidine 351 retained).
Molecular consequence: synonymous variant.
Genome position (GRCh38, 1-based): chr2:47,799,036, C>T. VCF-style: chr2-47799036-C-T. GRCh37 (hg19) VCF-style: chr2-48026175-C-T.
Other names: c.663C>T, p.His221= (NM_001281492.2); c.147C>T, p.His49= (NM_001281493.2, NM_001281494.2).
Identifiers: ClinVar variation 184171 (VCV000184171.30), dbSNP rs28903083, ClinGen allele CA007904.
Genomic context (GRCh38, chr2:47,799,036, plus strand): 5'-AGAAACCAAGAATACTTTGAGAGCTTTCTCTGCCCCTCAAAATTCTGAATCCCAAGCCCA[C>T]GTTAGTGGAGGTGGTGATGACAGTAGTCGCCCTACTGTTTGGTATCATGAAACTTTAGAA-3'
Protein context (NP_000170.1, residues 341-361): SAPQNSESQA[His351=]VSGGGDDSSR